The following is an entry in ClinVar:

NM_002691.4(POLD1):c.1694A>C (p.His565Pro)

Gene: POLD1 (DNA polymerase delta 1, catalytic subunit; plus strand). Cytogenetic location: 19q13.33.
Variant type: single nucleotide variant.
Coding change: c.1694A>C on transcript NM_002691.4 (MANE Select); coding-DNA position 1694, A replaced by C.
Protein change: p.His565Pro; replaces histidine 565 with proline.
Molecular consequence: missense variant. On other transcripts: non-coding transcript variant (1).
Genome position (GRCh38, 1-based): chr19:50,407,334, A>C. VCF-style: chr19-50407334-A-C. GRCh37 (hg19) VCF-style: chr19-50910591-A-C.
Other names: c.1694A>C, p.His565Pro (NM_001256849.1, NM_001308632.1); c.1694A>C (NM_002691.2); short protein forms H565P.
Identifiers: ClinVar variation 576597 (VCV000576597.12), dbSNP rs1452632059, ClinGen allele CA406981181.

ClinVar aggregate classification (germline): Conflicting classifications of pathogenicity. Review status: criteria provided, conflicting classifications (1 of 4 stars). 3 submissions from 3 submitters: Uncertain significance (2); Likely benign (1). Last evaluated 2026-01-11.

Conditions:
POLD1-related polyposis and colorectal cancer syndrome (CRCS10). Also called: Colorectal cancer 10; COLORECTAL CANCER, SUSCEPTIBILITY TO, ON CHROMOSOME 19q; Colorectal cancer, susceptibility to, 10. Identifiers: Orphanet 220460, MedGen C2675481, MONDO:0012953, OMIM 612591.
Hereditary cancer-predisposing syndrome. Also called: Tumor predisposition; Neoplastic Syndromes, Hereditary; Hereditary Cancer Syndrome; Hereditary neoplastic syndrome. Identifiers: Orphanet 140162, MedGen C0027672, MeSH D009386, MONDO:0015356.

Allele frequency attached by ClinVar (database versions not stated): gnomAD 0.00001; gnomAD exomes 0.00001; TOPMed 0.00002.
gnomAD v4.1: 16 of 1,612,298 alleles (0.00099%); highest among the groups gnomAD compares: Non-Finnish European, 0.0014%; no homozygotes.

Submissions (3):

Labcorp Genetics (formerly Invitae), Labcorp
Classification: Uncertain significance for POLD1-related polyposis and colorectal cancer syndrome. Last evaluated: 2026-01-11. Review status: criteria provided, single submitter. Criteria: Invitae Variant Classification Sherloc (09022015). Collection method: clinical testing. Allele origin: germline.
Comment: This sequence change replaces histidine, which is basic and polar, with proline, which is neutral and non-polar, at codon 565 of the POLD1 protein (p.His565Pro). This variant is not present in population databases (gnomAD no frequency). This variant has not been reported in the literature in individuals affected with POLD1-related conditions. ClinVar contains an entry for this variant (Variation ID: 576597). Invitae Evidence Modeling of protein sequence and biophysical properties (such as structural, functional, and spatial information, amino acid conservation, physicochemical variation, residue mobility, and thermodynamic stability) indicates that this missense variant is not expected to disrupt POLD1 protein function with a negative predictive value of 80%. In summary, the available evidence is currently insufficient to determine the role of this variant in disease. Therefore, it has been classified as a Variant of Uncertain Significance.

Ambry Genetics
Classification: Likely benign for Hereditary cancer-predisposing syndrome. Last evaluated: 2025-07-03. Review status: criteria provided, single submitter. Criteria: Ambry Variant Classification Scheme 2023. Collection method: clinical testing. Allele origin: germline.

GeneDx
Classification: Uncertain significance. Last evaluated: 2023-06-20. Review status: criteria provided, single submitter. Criteria: GeneDx Variant Classification Process June 2021. Collection method: clinical testing. Allele origin: germline. Affected: yes.
Comment: Not observed at significant frequency in large population cohorts (gnomAD); In silico analysis supports that this missense variant does not alter protein structure/function; This variant is associated with the following publications: (PMID: 29056344)